The following is an entry in ClinVar:

ClinVar aggregate classification (germline): Uncertain significance (1 of 4 stars; one submission).

Allele frequency attached by ClinVar (database versions not stated): TOPMed below 0.00001; gnomAD 0.00001.

Submission:

Labcorp Genetics (formerly Invitae), Labcorp
Classification: Uncertain significance. Last evaluated: 2022-12-16. Review status: criteria provided, single submitter. Criteria: Invitae Variant Classification Sherloc (09022015). Collection method: clinical testing. Allele origin: germline.
Comment: This sequence change replaces glycine, which is neutral and non-polar, with serine, which is neutral and polar, at codon 581 of the PLK4 protein (p.Gly581Ser). This variant is present in population databases (no rsID available, gnomAD 0.006%). In summary, the available evidence is currently insufficient to determine the role of this variant in disease. Therefore, it has been classified as a Variant of Uncertain Significance. Algorithms developed to predict the effect of sequence changes on RNA splicing suggest that this variant may disrupt the consensus splice site. Algorithms developed to predict the effect of missense changes on protein structure and function output the following: SIFT: "Tolerated"; PolyPhen-2: "Benign"; Align-GVGD: "Class C0". The serine amino acid residue is found in multiple mammalian species, which suggests that this missense change does not adversely affect protein function. This variant has not been reported in the literature in individuals affected with PLK4-related conditions.

NM_014264.5(PLK4):c.1741G>A (p.Gly581Ser)

Gene: PLK4 (polo like kinase 4; plus strand). Cytogenetic location: 4q28.1.
Variant type: single nucleotide variant.
Coding change: c.1741G>A on transcript NM_014264.5 (MANE Select); coding-DNA position 1741, G replaced by A.
Protein change: p.Gly581Ser; replaces glycine 581 with serine.
Molecular consequence: missense variant.
Genome position (GRCh38, 1-based): chr4:127,890,147, G>A. VCF-style: chr4-127890147-G-A. GRCh37 (hg19) VCF-style: chr4-128811302-G-A.
Other names: c.1645G>A, p.Gly549Ser (NM_001190799.2); c.1618G>A, p.Gly540Ser (NM_001190801.2); short protein forms G581S, G549S, G540S.
Identifiers: ClinVar variation 2178576 (VCV002178576.4), dbSNP rs1412691963, ClinGen allele CA358157198.